The following is an entry in ClinVar:

NM_002582.4(PARN):c.1480+1G>C

Gene: PARN (poly(A)-specific ribonuclease; minus strand). Cytogenetic location: 16p13.12.
Variant type: single nucleotide variant.
Coding change: c.1480+1G>C on transcript NM_002582.4 (MANE Select); the canonical splice donor site of the intron after coding-DNA position 1480, G replaced by C.
Molecular consequence: splice donor variant.
Genome position (GRCh38, 1-based): chr16:14,552,020, C>G on the plus strand (G>C on the coding strand, the complement: PARN is on the minus strand). VCF-style: chr16-14552020-C-G. GRCh37 (hg19) VCF-style: chr16-14645877-C-G.
Other names: c.1297+1G>C (NM_001134477.3); c.1342+1G>C (NM_001242992.2).
Identifiers: ClinVar variation 4855609 (VCV004855609.1).
Genomic context (GRCh38, chr16:14,552,020, plus strand): 5'-GCAGTGGGAGGGCAACCTCTCACTGTATTTAATACACAAAACAGAAATCCAAAACACTTA[C>G]CAATCTTTACTTGCTCGGGCTGGCTAAGGGAAACAAATGCTGATGTGTCATCAATCCAGG-3'

ClinVar aggregate classification (germline): Likely pathogenic (1 of 4 stars; one submission).

Conditions:
Dyskeratosis congenita, autosomal recessive 6 (DKCB6). Identifiers: MedGen C4225356, MONDO:0014600, OMIM 616353.

Submission:

3billion
Classification: Likely pathogenic for Dyskeratosis congenita, autosomal recessive 6. Last evaluated: 2025-09-19. Review status: criteria provided, single submitter. Criteria: ACMG Guidelines, 2015. Collection method: clinical testing. Allele origin: germline. Affected: yes.
Comment: The variant is not observed in the gnomAD v4.1.0 dataset. Predicted Consequence/Location: Canonical splice site: predicted to alter splicing and result in a loss or disruption of normal protein function. Multiple pathogenic loss-of-function variants are reported downstream of the variant. In silico tools predict the variant to alter splicing and produce an abnormal transcript [SpliceAI: 1.00 (spliceogenicity >=0.2, non-spliceogenicity <0.1)]. Therefore, this variant is classified as Likely pathogenic according to the recommendation of ACMG/AMP guideline.